The following is an entry in ClinVar:

ClinVar aggregate classification (germline): Uncertain significance. Review status: criteria provided, multiple submitters, no conflicts (2 of 4 stars). 3 submissions from 3 submitters: Uncertain significance (3). Last evaluated 2023-12-11.

Conditions:
Familial hypocalciuric hypercalcemia (FHH). Also called: Familial benign hypercalcemia. Identifiers: Orphanet 405, MedGen C1809471, MONDO:0018458.
Autosomal dominant hypocalcemia 1 (HYPOC1). Also called: HYPOCALCEMIA, FAMILIAL. Identifiers: MedGen C3715128, MONDO:0011013, OMIM 601198.

gnomAD v4.1: 7 of 1,614,106 alleles (0.00043%); highest among the groups gnomAD compares: Non-Finnish European, 0.00059%; no homozygotes.

Submissions (3):

Blueprint Genetics
Classification: Uncertain significance. Last evaluated: 2023-12-11. Review status: criteria provided, single submitter. Criteria: ACMG Guidelines, 2015. Collection method: clinical testing. Allele origin: germline.

Athena Diagnostics
Classification: Uncertain significance. Last evaluated: 2022-05-10. Review status: criteria provided, single submitter. Criteria: Athena Diagnostics Criteria. Collection method: clinical testing. Allele origin: unknown.

Labcorp Genetics (formerly Invitae), Labcorp
Classification: Uncertain significance for Familial hypocalciuric hypercalcemia; Autosomal dominant hypocalcemia 1. Last evaluated: 2020-06-17. Review status: criteria provided, single submitter. Criteria: Invitae Variant Classification Sherloc (09022015). Collection method: clinical testing. Allele origin: germline.
Comment: In summary, the available evidence is currently insufficient to determine the role of this variant in disease. Therefore, it has been classified as a Variant of Uncertain Significance. Algorithms developed to predict the effect of missense changes on protein structure and function (SIFT, PolyPhen-2, Align-GVGD) all suggest that this variant is likely to be disruptive, but these predictions have not been confirmed by published functional studies and their clinical significance is uncertain. This variant has been observed on the opposite chromosome (in trans) from a likely pathogenic variant in an individual affected with neonatal severe hyperparathyroidism (PMID: 15241688). This finding is consistent with autosomal recessive inheritance, and suggests that this variant contributes to disease. ClinVar contains an entry for this variant (Variation ID: 571816). This variant is not present in population databases (ExAC no frequency). This sequence change replaces cysteine with phenylalanine at codon 60 of the CASR protein (p.Cys60Phe). The cysteine residue is highly conserved and there is a large physicochemical difference between cysteine and phenylalanine.

Literature cited by the submitters: PubMed 15241688 (cited by Athena Diagnostics and Labcorp Genetics (formerly Invitae), Labcorp).

NM_000388.4(CASR):c.179G>T (p.Cys60Phe)

Gene: CASR (calcium sensing receptor; plus strand). Cytogenetic location: 3q21.1.
Variant type: single nucleotide variant.
Coding change: c.179G>T on transcript NM_000388.4 (MANE Select); coding-DNA position 179, G replaced by T.
Protein change: p.Cys60Phe; replaces cysteine 60 with phenylalanine.
Molecular consequence: missense variant.
Genome position (GRCh38, 1-based): chr3:122,254,368, G>T. VCF-style: chr3-122254368-G-T. GRCh37 (hg19) VCF-style: chr3-121973215-G-T.
Other names: c.179G>T, p.Cys60Phe (NM_001178065.2); short protein forms C60F.
Identifiers: ClinVar variation 571816 (VCV000571816.12), dbSNP rs772906030, ClinGen allele CA354362303.
Genomic context (GRCh38, chr3:122,254,368, plus strand): 5'-TTCATTTTGGAGTAGCAGCTAAAGATCAAGATCTCAAATCAAGGCCGGAGTCTGTGGAAT[G>T]TATCAGGTAAGAAGAGGGGCCTAATCTGCCAATCTCTTCTCTTCTGAGTGGTTGGAGAAA-3'
Protein context (NP_000379.3, residues 50-70): DLKSRPESVE[Cys60Phe]IRYNFRGFRW